The following is an entry in ClinVar:

ClinVar aggregate classification (germline): Uncertain significance. Review status: criteria provided, multiple submitters, no conflicts (2 of 4 stars). 3 submissions from 3 submitters: Uncertain significance (3). Last evaluated 2025-11-25.

Conditions:
Hereditary cancer-predisposing syndrome. Also called: Tumor predisposition; Neoplastic Syndromes, Hereditary; Hereditary neoplastic syndrome; Hereditary Cancer Syndrome. Identifiers: Orphanet 140162, MedGen C0027672, MeSH D009386, MONDO:0015356.
Ataxia-telangiectasia syndrome (AT). Also called: Ataxia-telangiectasia, complementation group D; AT, COMPLEMENTATION GROUP C; ATAXIA-TELANGIECTASIA, COMPLEMENTATION GROUP A; ATAXIA-TELANGIECTASIA, FRESNO VARIANT; Ataxia-telangiectasia; Ataxia telangiectasia (A-T). Identifiers: Orphanet 100, MedGen C0004135, MONDO:0008840, OMIM 208900.
Familial cancer of breast. Also called: Hereditary breast cancer; hereditary breast carcinoma; BREAST CANCER, FAMILIAL. Identifiers: Orphanet 227535, MedGen C0346153, MONDO:0016419, OMIM 114480. Disease mechanism: loss of function.

Allele frequency attached by ClinVar (database versions not stated): gnomAD exomes below 0.00001.
gnomAD v4.1: 1 of 1,614,214 alleles (0.000062%); highest among the groups gnomAD compares: Non-Finnish European, 0.000085%; no homozygotes.

Submissions (3):

Labcorp Genetics (formerly Invitae), Labcorp
Classification: Uncertain significance for Ataxia-telangiectasia syndrome. Last evaluated: 2025-11-25. Review status: criteria provided, single submitter. Criteria: Invitae Variant Classification Sherloc (09022015). Collection method: clinical testing. Allele origin: germline.
Comment: This sequence change replaces serine, which is neutral and polar, with isoleucine, which is neutral and non-polar, at codon 3027 of the ATM protein (p.Ser3027Ile). This variant is not present in population databases (gnomAD no frequency). This variant has not been reported in the literature in individuals affected with ATM-related conditions. ClinVar contains an entry for this variant (Variation ID: 957809). Invitae Evidence Modeling of protein sequence and biophysical properties (such as structural, functional, and spatial information, amino acid conservation, physicochemical variation, residue mobility, and thermodynamic stability) indicates that this missense variant is expected to disrupt ATM protein function with a positive predictive value of 95%. In summary, the available evidence is currently insufficient to determine the role of this variant in disease. Therefore, it has been classified as a Variant of Uncertain Significance.

Baylor Genetics
Classification: Uncertain significance for Familial cancer of breast. Last evaluated: 2023-06-07. Review status: criteria provided, single submitter. Criteria: ACMG Guidelines, 2015. Collection method: clinical testing. Allele origin: unknown.

Ambry Genetics
Classification: Uncertain significance for Hereditary cancer-predisposing syndrome. Last evaluated: 2022-08-03. Review status: criteria provided, single submitter. Criteria: Ambry Variant Classification Scheme 2023. Collection method: clinical testing. Allele origin: germline.
Comment: The p.S3027I variant (also known as c.9080G>T), located in coding exon 62 of the ATM gene, results from a G to T substitution at nucleotide position 9080. The serine at codon 3027 is replaced by isoleucine, an amino acid with dissimilar properties. This amino acid position is highly conserved in available vertebrate species. In addition, this alteration is predicted to be deleterious by in silico analysis. Since supporting evidence is limited at this time, the clinical significance of this alteration remains unclear.

NM_000051.4(ATM):c.9080G>T (p.Ser3027Ile)

Genes: ATM (ATM serine/threonine kinase; plus strand), C11orf65 (chromosome 11 open reading frame 65; minus strand). Cytogenetic location: 11q22.3.
Variant type: single nucleotide variant.
Coding change: c.9080G>T on transcript NM_000051.4 (MANE Select); coding-DNA position 9080, G replaced by T.
Protein change: p.Ser3027Ile; replaces serine 3027 with isoleucine.
Molecular consequence: missense variant. On other transcripts: intron variant (2).
Genome position (GRCh38, 1-based): chr11:108,365,417, G>T. VCF-style: chr11-108365417-G-T. GRCh37 (hg19) VCF-style: chr11-108236144-G-T.
Other names: c.9080G>T, p.Ser3027Ile (NM_001351834.2); c.640+20503C>A (NM_001330368.2); c.694+20503C>A (NM_001351110.2); short protein forms S3027I.
Identifiers: ClinVar variation 957809 (VCV000957809.13), dbSNP rs1565609342, ClinGen allele CA382531769.